The following is an entry in ClinVar:

ClinVar aggregate classification (germline): Uncertain significance (1 of 4 stars; one submission).

gnomAD v4.1: 1 of 1,614,118 alleles (0.000062%); highest among the groups gnomAD compares: Non-Finnish European, 0.000085%; no homozygotes.

Submission:

Labcorp Genetics (formerly Invitae), Labcorp
Classification: Uncertain significance. Last evaluated: 2025-06-20. Review status: criteria provided, single submitter. Criteria: Invitae Variant Classification Sherloc (09022015). Collection method: clinical testing. Allele origin: germline.
Comment: This sequence change replaces isoleucine, which is neutral and non-polar, with methionine, which is neutral and non-polar, at codon 291 of the KANK1 protein (p.Ile291Met). This variant is not present in population databases (gnomAD no frequency). This variant has not been reported in the literature in individuals affected with KANK1-related conditions. ClinVar contains an entry for this variant (Variation ID: 1482080). Invitae Evidence Modeling of protein sequence and biophysical properties (such as structural, functional, and spatial information, amino acid conservation, physicochemical variation, residue mobility, and thermodynamic stability) indicates that this missense variant is expected to disrupt KANK1 protein function with a positive predictive value of 80%. In summary, the available evidence is currently insufficient to determine the role of this variant in disease. Therefore, it has been classified as a Variant of Uncertain Significance.

NM_015158.5(KANK1):c.873C>G (p.Ile291Met)

Gene: KANK1 (KN motif and ankyrin repeat domains 1; plus strand). Cytogenetic location: 9p24.3.
Variant type: single nucleotide variant.
Coding change: c.873C>G on transcript NM_015158.5 (MANE Select); coding-DNA position 873, C replaced by G.
Protein change: p.Ile291Met; replaces isoleucine 291 with methionine.
Molecular consequence: missense variant. On other transcripts: non-coding transcript variant (1).
Genome position (GRCh38, 1-based): chr9:711,639, C>G. VCF-style: chr9-711639-C-G. GRCh37 (hg19) VCF-style: chr9-711639-C-G.
Other names: c.873C>G, p.Ile291Met (NM_001256876.3, NM_001256877.3, NM_001354331.2 and 2 more transcripts); c.399C>G, p.Ile133Met (NM_001354333.2, NM_001354335.2, NM_001354336.2 and 9 more transcripts); short protein forms I133M, I291M.
Identifiers: ClinVar variation 1482080 (VCV001482080.8), dbSNP rs757205666, ClinGen allele CA372747042.
Genomic context (GRCh38, chr9:711,639, plus strand): 5'-GAAACGCCTGAAGGAGCTGGAGGAGCAGGTGCGAACCATCCCTGTGCTCCAGGTAAAGAT[C>G]TCTGTCTTGCAAGAAGAGAAAAGGCAGTTGGTCTCACAGCTGAAAAACCAAAGGGCTGCA-3'
Protein context (NP_055973.2, residues 281-301): VRTIPVLQVK[Ile291Met]SVLQEEKRQL